The following is an entry in ClinVar:

ClinVar aggregate classification (germline): Uncertain significance (1 of 4 stars; one submission).

Conditions:
Hereditary cancer-predisposing syndrome. Also called: Tumor predisposition; Hereditary neoplastic syndrome; Hereditary Cancer Syndrome; Neoplastic Syndromes, Hereditary. Identifiers: Orphanet 140162, MedGen C0027672, MeSH D009386, MONDO:0015356.

Submission:

Labcorp Genetics (formerly Invitae), Labcorp
Classification: Uncertain significance for Hereditary cancer-predisposing syndrome. Last evaluated: 2019-08-30. Review status: criteria provided, single submitter. Criteria: Invitae Variant Classification Sherloc (09022015). Collection method: clinical testing. Allele origin: germline.
Comment: This sequence change falls in intron 3 of the RAD50 gene. It does not directly change the encoded amino acid sequence of the RAD50 protein, but it affects a nucleotide within the consensus splice site of the intron. In summary, the available evidence is currently insufficient to determine the role of this variant in disease. Therefore, it has been classified as a Variant of Uncertain Significance. Nucleotide substitutions within the consensus splice site are a relatively common cause of aberrant splicing (PMID: 17576681, 9536098). Algorithms developed to predict the effect of sequence changes on RNA splicing suggest that this variant may disrupt the consensus splice site, but this prediction has not been confirmed by published transcriptional studies. This variant has not been reported in the literature in individuals with RAD50-related conditions. This variant is not present in population databases (ExAC no frequency).

Literature cited by the submitters: PubMed 17576681; PubMed 9536098.

NM_005732.4(RAD50):c.366-3T>G

Gene: RAD50 (RAD50 double strand break repair protein; plus strand). Cytogenetic location: 5q31.1.
Variant type: single nucleotide variant.
Coding change: c.366-3T>G on transcript NM_005732.4 (MANE Select); 3 bases into the intron before coding-DNA position 366, T replaced by G.
Molecular consequence: intron variant.
Genome position (GRCh38, 1-based): chr5:132,579,314, T>G. VCF-style: chr5-132579314-T-G. GRCh37 (hg19) VCF-style: chr5-131915006-T-G.
Identifiers: ClinVar variation 936640 (VCV000936640.10), dbSNP rs1750458620, ClinGen allele CA1139659055.